The following is an entry in ClinVar:

ClinVar aggregate classification (germline): Uncertain significance (1 of 4 stars; one submission).

Conditions:
Retinitis pigmentosa 59 (RP59). Identifiers: Orphanet 791, MedGen C3151227, MONDO:0013468, OMIM 613861.

Submission:

Labcorp Genetics (formerly Invitae), Labcorp
Classification: Uncertain significance for Retinitis pigmentosa 59. Last evaluated: 2025-05-01. Review status: criteria provided, single submitter. Criteria: Invitae Variant Classification Sherloc (09022015). Collection method: clinical testing. Allele origin: germline.
Comment: This sequence change replaces glutamine, which is neutral and polar, with leucine, which is neutral and non-polar, at codon 316 of the DHDDS protein (p.Gln316Leu). This variant is not present in population databases (gnomAD no frequency). This variant has not been reported in the literature in individuals affected with DHDDS-related conditions. An algorithm developed to predict the effect of missense changes on protein structure and function (PolyPhen-2) suggests that this variant is likely to be tolerated. In summary, the available evidence is currently insufficient to determine the role of this variant in disease. Therefore, it has been classified as a Variant of Uncertain Significance.

NM_205861.3(DHDDS):c.944A>T (p.Gln315Leu)

Gene: DHDDS (dehydrodolichyl diphosphate synthase subunit; plus strand). Cytogenetic location: 1p36.11.
Variant type: single nucleotide variant.
Coding change: c.944A>T on transcript NM_205861.3 (MANE Select); coding-DNA position 944, A replaced by T.
Protein change: p.Gln315Leu; replaces glutamine 315 with leucine.
Molecular consequence: missense variant.
Genome position (GRCh38, 1-based): chr1:26,469,073, A>T. VCF-style: chr1-26469073-A-T. GRCh37 (hg19) VCF-style: chr1-26795564-A-T.
Other names: c.842A>T, p.Gln281Leu (NM_001243564.2); c.827A>T, p.Gln276Leu (NM_001243565.2); c.665A>T, p.Gln222Leu (NM_001319959.2); c.947A>T, p.Gln316Leu (NM_024887.4); short protein forms Q281L, Q315L, Q316L, Q222L, Q276L.
Identifiers: ClinVar variation 4718090 (VCV004718090.1).
Genomic context (GRCh38, chr1:26,469,073, plus strand): 5'-GAAGGACACGCTTGCACAAACTCTCGGCCAGACGGGAAGAGCGAGTCCAAGGCTTCCTGC[A>T]GGCCTTGGAACTCAAGCGAGCTGACTGGCTGGCCCGTCTGGGCACTGCATCAGCCTGAAT-3'
Protein context (NP_995583.1, residues 305-325): RREERVQGFL[Gln315Leu]ALELKRADWL